The following is an entry in ClinVar:

NM_000384.3(APOB):c.3659A>T (p.Asp1220Val)

Gene: APOB (apolipoprotein B; minus strand). Cytogenetic location: 2p24.1.
Variant type: single nucleotide variant.
Coding change: c.3659A>T on transcript NM_000384.3 (MANE Select); coding-DNA position 3659, A replaced by T.
Protein change: p.Asp1220Val; replaces aspartic acid 1220 with valine.
Molecular consequence: missense variant.
Genome position (GRCh38, 1-based): chr2:21,015,110, T>A on the plus strand (A>T on the coding strand, the complement: APOB is on the minus strand). VCF-style: chr2-21015110-T-A. GRCh37 (hg19) VCF-style: chr2-21237982-T-A.
Other names: short protein forms D1220V.
Identifiers: ClinVar variation 2077309 (VCV002077309.1), dbSNP rs755505059, ClinGen allele CA059261.
Genomic context (GRCh38, chr2:21,015,110, plus strand): 5'-TTGACTGGCAGACTCATACTTACAACTATTAATTTGGAACCCACGTGCCGGAAAGTCATG[T>A]CTGTTTGAGGGACTCTGTGATCCAGGAGTCTATTAGCATACATATGCAAGCTCTTAGGAT-3'
Protein context (NP_000375.3, residues 1210-1230): RLLDHRVPQT[Asp1220Val]MTFRHVGSKL

ClinVar aggregate classification (germline): Uncertain significance (1 of 4 stars; one submission).

Conditions:
Familial hypobetalipoproteinemia 1. Also called: Hypobetalipoproteinemia, normotriglyceridemic; Acanthocytosis with hypobetalipoproteinemia; APOB-Related Familial Hypobetalipoproteinemia. Identifiers: MedGen C4551990, MONDO:0014252, OMIM 615558.
Hypercholesterolemia, autosomal dominant, type B (FHCL2). Also called: Familial hypercholesterolemia 2; Familial Hypercholesterolemia Type B; APOLIPOPROTEIN B-100, FAMILIAL DEFECTIVE; APOLIPOPROTEIN B-100, FAMILIAL LIGAND-DEFECTIVE; HYPERCHOLESTEROLEMIA, FAMILIAL, DUE TO LIGAND-DEFECTIVE APOLIPOPROTEIN B; Hyperlipoproteinemia Type IIb. Identifiers: MedGen C1704417, MONDO:0007751, OMIM 144010.

Allele frequency attached by ClinVar (database versions not stated): gnomAD exomes below 0.00001; ExAC 0.00001.
gnomAD v4.1: 1 of 1,614,228 alleles (0.000062%); highest among the groups gnomAD compares: East Asian, 0.0022%; no homozygotes.

Submission:

Labcorp Genetics (formerly Invitae), Labcorp
Classification: Uncertain significance for Familial hypobetalipoproteinemia 1; Hypercholesterolemia, autosomal dominant, type B. Last evaluated: 2018-01-02. Review status: criteria provided, single submitter. Criteria: Invitae Variant Classification Sherloc (09022015). Collection method: clinical testing. Allele origin: germline.
Comment: This sequence change replaces aspartic acid with valine at codon 1220 of the APOB protein (p.Asp1220Val). The aspartic acid residue is highly conserved and there is a large physicochemical difference between aspartic acid and valine. This variant is present in population databases (rs755505059, ExAC 0.01%). This variant has not been reported in the literature in individuals with APOB-related disease. Algorithms developed to predict the effect of missense changes on protein structure and function do not agree on the potential impact of this missense change (SIFT: "Deleterious"; PolyPhen-2: "Possibly Damaging"; Align-GVGD: "Class C0"). In summary, the available evidence is currently insufficient to determine the role of this variant in disease. Therefore, it has been classified as a Variant of Uncertain Significance.